The following is an entry in ClinVar:

ClinVar aggregate classification (germline): Uncertain significance. Review status: criteria provided, multiple submitters, no conflicts (2 of 4 stars). 2 submissions from 2 submitters: Uncertain significance (2). Last evaluated 2025-05-29.

Conditions:
Inborn genetic diseases. Identifiers: MedGen C0950123, MeSH D030342.

Allele frequency attached by ClinVar (database versions not stated): gnomAD 0.00001; gnomAD exomes 0.00001; TOPMed 0.00002.
gnomAD v4.1: 7 of 1,564,936 alleles (0.00045%); highest among the groups gnomAD compares: Admixed American, 0.0075%; no homozygotes.

Submissions (2):

Ambry Genetics
Classification: Uncertain significance for Inborn genetic diseases. Last evaluated: 2025-05-29. Review status: criteria provided, single submitter. Criteria: Ambry Variant Classification Scheme 2023. Collection method: clinical testing. Allele origin: germline.

Labcorp Genetics (formerly Invitae), Labcorp
Classification: Uncertain significance. Last evaluated: 2025-03-30. Review status: criteria provided, single submitter. Criteria: Invitae Variant Classification Sherloc (09022015). Collection method: clinical testing. Allele origin: germline.
Comment: This sequence change replaces tyrosine, which is neutral and polar, with cysteine, which is neutral and slightly polar, at codon 382 of the TCF3 protein (p.Tyr382Cys). The frequency data for this variant in the population databases is considered unreliable, as metrics indicate poor data quality at this position in the gnomAD database. This variant has not been reported in the literature in individuals affected with TCF3-related conditions. ClinVar contains an entry for this variant (Variation ID: 2696606). Invitae Evidence Modeling of protein sequence and biophysical properties (such as structural, functional, and spatial information, amino acid conservation, physicochemical variation, residue mobility, and thermodynamic stability) indicates that this missense variant is expected to disrupt TCF3 protein function with a positive predictive value of 80%. In summary, the available evidence is currently insufficient to determine the role of this variant in disease. Therefore, it has been classified as a Variant of Uncertain Significance.

NM_003200.5(TCF3):c.1145A>G (p.Tyr382Cys)

Gene: TCF3 (transcription factor 3; minus strand). Cytogenetic location: 19p13.3.
Variant type: single nucleotide variant.
Coding change: c.1145A>G on transcript NM_003200.5 (MANE Select); coding-DNA position 1145, A replaced by G.
Protein change: p.Tyr382Cys; replaces tyrosine 382 with cysteine.
Molecular consequence: missense variant.
Genome position (GRCh38, 1-based): chr19:1,619,802, T>C on the plus strand (A>G on the coding strand, the complement: TCF3 is on the minus strand). VCF-style: chr19-1619802-T-C. GRCh37 (hg19) VCF-style: chr19-1619801-T-C.
Other names: c.1145A>G, p.Tyr382Cys (NM_001136139.4, NM_001351778.2, NM_001351779.2); c.1145A>G (NM_003200.3); short protein forms Y382C.
Identifiers: ClinVar variation 2696606 (VCV002696606.4), dbSNP rs889282369, ClinGen allele CA304102968.
Genomic context (GRCh38, chr19:1,619,802, plus strand): 5'-GTCGGGGAAGGGTGGGGTGGGGCGGGGCAGGCACTCACCAGGCCGTGGAGACCCCCGTCG[T>C]AGCTGGGCGATAAGGCACCGGGGGCTCCTGCTCGAGGCCACTGTGACGTTCCTGGAAGGG-3'
Protein context (NP_003191.1, residues 372-392): AGAPGALSPS[Tyr382Cys]DGGLHGLQSK